The following is an entry in ClinVar:

NM_002485.5(NBN):c.-38C>G

Gene: NBN (nibrin; minus strand). Cytogenetic location: 8q21.3.
Variant type: single nucleotide variant.
Coding change: c.-38C>G on transcript NM_002485.5 (MANE Select); 38 bases upstream of the start codon, C replaced by G.
Molecular consequence: 5 prime UTR variant.
Genome position (GRCh38, 1-based): chr8:89,984,599, G>C on the plus strand (C>G on the coding strand, the complement: NBN is on the minus strand). VCF-style: chr8-89984599-G-C. GRCh37 (hg19) VCF-style: chr8-90996827-G-C.
Other names: c.-334C>G (NM_001024688.3).
Identifiers: ClinVar variation 384594 (VCV000384594.1), dbSNP rs1057522006, ClinGen allele CA16605276.

ClinVar aggregate classification (germline): Likely benign (1 of 4 stars; one submission).

gnomAD v4.1: 2 of 1,610,852 alleles (0.00012%); highest among the groups gnomAD compares: Non-Finnish European, 0.00017%; no homozygotes.

Submission:

GeneDx
Classification: Likely benign. Last evaluated: 2016-03-08. Review status: criteria provided, single submitter. Criteria: GeneDx Variant Classification (06012015). Collection method: clinical testing. Allele origin: germline. Affected: yes.
Comment: This variant is considered likely benign or benign based on one or more of the following criteria: it is a conservative change, it occurs at a poorly conserved position in the protein, it is predicted to be benign by multiple in silico algorithms, and/or has population frequency not consistent with disease.